The following is an entry in ClinVar:

ClinVar aggregate classification (germline): Uncertain significance (1 of 4 stars; one submission).

Submission:

Labcorp Genetics (formerly Invitae), Labcorp
Classification: Uncertain significance. Last evaluated: 2023-08-17. Review status: criteria provided, single submitter. Criteria: Invitae Variant Classification Sherloc (09022015). Collection method: clinical testing. Allele origin: germline.
Comment: This sequence change replaces glycine, which is neutral and non-polar, with alanine, which is neutral and non-polar, at codon 229 of the ERCC3 protein (p.Gly229Ala). This variant is not present in population databases (gnomAD no frequency). This variant has not been reported in the literature in individuals affected with ERCC3-related conditions. In summary, the available evidence is currently insufficient to determine the role of this variant in disease. Therefore, it has been classified as a Variant of Uncertain Significance. Advanced modeling of protein sequence and biophysical properties (such as structural, functional, and spatial information, amino acid conservation, physicochemical variation, residue mobility, and thermodynamic stability) performed at Invitae indicates that this missense variant is not expected to disrupt ERCC3 protein function. ClinVar contains an entry for this variant (Variation ID: 2046909).

NM_000122.2(ERCC3):c.686G>C (p.Gly229Ala)

Gene: ERCC3 (ERCC excision repair 3, TFIIH core complex helicase subunit; minus strand). Cytogenetic location: 2q14.3.
Variant type: single nucleotide variant.
Coding change: c.686G>C on transcript NM_000122.2 (MANE Select); coding-DNA position 686, G replaced by C.
Protein change: p.Gly229Ala; replaces glycine 229 with alanine.
Molecular consequence: missense variant.
Genome position (GRCh38, 1-based): chr2:127,289,473, C>G on the plus strand (G>C on the coding strand, the complement: ERCC3 is on the minus strand). VCF-style: chr2-127289473-C-G. GRCh37 (hg19) VCF-style: chr2-128047049-C-G.
Other names: c.494G>C, p.Gly165Ala (NM_001303416.2, NM_001303418.2); short protein forms G229A, G165A.
Identifiers: ClinVar variation 2046909 (VCV002046909.4), dbSNP rs2468059019, ClinGen allele CA348390935.